The following is an entry in ClinVar:

ClinVar aggregate classification (germline): Likely benign. Review status: criteria provided, multiple submitters, no conflicts (2 of 4 stars). 2 submissions from 2 submitters: Likely benign (2). Last evaluated 2025-06-05.

Conditions:
Tuberous sclerosis 2 (TSC2). Identifiers: Orphanet 805, MedGen C1860707, MONDO:0013199, OMIM 613254.

Allele frequency attached by ClinVar (database versions not stated): gnomAD exomes 0.00001.
gnomAD v4.1: 4 of 1,574,394 alleles (0.00025%); highest among the groups gnomAD compares: Middle Eastern, 0.058%; 1 homozygote.

Submissions (2):

Myriad Genetics, Inc.
Classification: Likely benign for Tuberous sclerosis 2. Last evaluated: 2025-06-05. Review status: criteria provided, single submitter. Criteria: Myriad Autosomal Dominant, Autosomal Recessive and X-Linked Classification Criteria (2023). Collection method: clinical testing. Allele origin: unknown.
Comment: This variant is considered likely benign. This variant is intronic and is not expected to impact mRNA splicing.

Labcorp Genetics (formerly Invitae), Labcorp
Classification: Likely benign for Tuberous sclerosis 2. Last evaluated: 2025-05-28. Review status: criteria provided, single submitter. Criteria: Invitae Variant Classification Sherloc (09022015). Collection method: clinical testing. Allele origin: germline.

NM_000548.5(TSC2):c.4989+10G>T

Gene: TSC2 (TSC complex subunit 2; plus strand). Cytogenetic location: 16p13.3.
Variant type: single nucleotide variant.
Coding change: c.4989+10G>T on transcript NM_000548.5 (MANE Select); 10 bases into the intron after coding-DNA position 4989, G replaced by T.
Molecular consequence: intron variant.
Genome position (GRCh38, 1-based): chr16:2,086,881, G>T. VCF-style: chr16-2086881-G-T. GRCh37 (hg19) VCF-style: chr16-2136882-G-T.
Other names: c.4920+10G>T (NM_001114382.3); c.4860+10G>T (NM_021055.3, NM_001370405.1); c.4791+10G>T (NM_001363528.2); c.4857+10G>T (NM_001370404.1); c.4788+10G>T (NM_001077183.3); c.4680+10G>T (NM_001318827.2); c.4257+10G>T (NM_001318831.2); c.4644+10G>T (NM_001318829.2); and 1 more.
Identifiers: ClinVar variation 1161474 (VCV001161474.10), dbSNP rs1357118862, ClinGen allele CA620706068.